The following is an entry in ClinVar:

ClinVar aggregate classification (germline): Uncertain significance (1 of 4 stars; one submission).

Conditions:
Intellectual developmental disorder, X-linked, syndromic, Houge type. Also called: MENTAL RETARDATION, X-LINKED, SYNDROMIC, HOUGE TYPE; Intellectual disability, X-linked, syndromic, Houge type. Identifiers: MedGen C4538788, MONDO:0030909, OMIM 301008.

Submission:

Neuberg Centre For Genomic Medicine, NCGM
Classification: Uncertain significance for Intellectual developmental disorder, X-linked, syndromic, Houge type. Review status: criteria provided, single submitter. Criteria: ACMG Guidelines, 2015. Collection method: clinical testing. Allele origin: germline. Inheritance: X-linked dominant inheritance. Affected: yes.
Comment: The missense variant c.1519A>T (p.Thr507Ser) in the CNKSR2 gene has not been reported previously as a pathogenic variant nor as a benign variant, to our knowledge. This variant is absent in the gnomAD Exomes. The amino acid Thr at position 507 is changed to a Ser changing protein sequence and it might alter its composition and physico-chemical properties. Computational evidence (Polyphen, SIFT and MutationTaster) predicts conflicting evidence on protein structure and function for this variant. The amino acid change p.Thr507Ser in CNKSR2 is predicted as conserved by GERP++ and PhyloP across 100 vertebrates. For these reasons, this variant has been classified as Uncertain Significance.

NM_014927.5(CNKSR2):c.1519A>T (p.Thr507Ser)

Gene: CNKSR2 (connector enhancer of kinase suppressor of Ras 2; plus strand). Cytogenetic location: Xp22.12.
Variant type: single nucleotide variant.
Coding change: c.1519A>T on transcript NM_014927.5 (MANE Select); coding-DNA position 1519, A replaced by T.
Protein change: p.Thr507Ser; replaces threonine 507 with serine.
Molecular consequence: missense variant.
Genome position (GRCh38, 1-based): chrX:21,563,363, A>T. VCF-style: chrX-21563363-A-T. GRCh37 (hg19) VCF-style: chrX-21581481-A-T.
Other names: c.1429A>T, p.Thr477Ser (NM_001168647.3, NM_001330773.2); c.1519A>T, p.Thr507Ser (NM_001168648.3); c.1372A>T, p.Thr458Ser (NM_001168649.3, NM_001330770.2); c.1282A>T, p.Thr428Ser (NM_001330771.2, NM_001330772.2); short protein forms T428S, T458S, T477S, T507S.
Identifiers: ClinVar variation 3377628 (VCV003377628.1).